The following is an entry in ClinVar:

NM_033004.4(NLRP1):c.1812C>A (p.Phe604Leu)

Gene: NLRP1 (NLR family pyrin domain containing 1; minus strand). Cytogenetic location: 17p13.2.
Variant type: single nucleotide variant.
Coding change: c.1812C>A on transcript NM_033004.4 (MANE Select); coding-DNA position 1812, C replaced by A.
Protein change: p.Phe604Leu; replaces phenylalanine 604 with leucine.
Molecular consequence: missense variant.
Genome position (GRCh38, 1-based): chr17:5,558,884, G>T on the plus strand (C>A on the coding strand, the complement: NLRP1 is on the minus strand). VCF-style: chr17-5558884-G-T. GRCh37 (hg19) VCF-style: chr17-5462204-G-T.
Other names: c.1812C>A, p.Phe604Leu (NM_001033053.3, NM_014922.5, NM_033006.4 and 1 more transcripts); short protein forms F604L.
Identifiers: ClinVar variation 3697299 (VCV003697299.2).

ClinVar aggregate classification (germline): Uncertain significance (1 of 4 stars; one submission).

gnomAD v4.1: 3 of 1,614,044 alleles (0.00019%); highest among the groups gnomAD compares: African/African-American, 0.004%; no homozygotes.

Submission:

Labcorp Genetics (formerly Invitae), Labcorp
Classification: Uncertain significance. Last evaluated: 2024-07-05. Review status: criteria provided, single submitter. Criteria: Invitae Variant Classification Sherloc (09022015). Collection method: clinical testing. Allele origin: germline.
Comment: This sequence change replaces phenylalanine, which is neutral and non-polar, with leucine, which is neutral and non-polar, at codon 604 of the NLRP1 protein (p.Phe604Leu). This variant is not present in population databases (gnomAD no frequency). This variant has not been reported in the literature in individuals affected with NLRP1-related conditions. Algorithms developed to predict the effect of missense changes on protein structure and function output the following: SIFT: "Not Available"; PolyPhen-2: "Benign"; Align-GVGD: "Not Available". The leucine amino acid residue is found in multiple mammalian species, which suggests that this missense change does not adversely affect protein function. In summary, the available evidence is currently insufficient to determine the role of this variant in disease. Therefore, it has been classified as a Variant of Uncertain Significance.